The following is an entry in ClinVar:

ClinVar aggregate classification (germline): Likely benign. Review status: criteria provided, multiple submitters, no conflicts (2 of 4 stars). 2 submissions from 2 submitters: Likely benign (2). Last evaluated 2023-05-01.

Allele frequency attached by ClinVar (database versions not stated): ExAC 0.00013; gnomAD exomes 0.00091; gnomAD 0.00797.

Submissions (2):

CeGaT Center for Human Genetics Tuebingen
Classification: Likely benign. Last evaluated: 2023-05-01. Review status: criteria provided, single submitter. Criteria: CeGaT Center For Human Genetics Tuebingen Variant Classification Criteria Version 2. Collection method: clinical testing. Allele origin: germline. Affected: yes. Observed: 1 variant allele.
Comment: ASXL3: BP4, BP7

GeneDx
Classification: Likely benign. Last evaluated: 2020-03-29. Review status: criteria provided, single submitter. Criteria: GeneDx Variant Classification Process June 2021. Collection method: clinical testing. Allele origin: germline. Affected: yes.

NM_030632.3(ASXL3):c.6102T>C (p.Pro2034=)

Gene: ASXL3 (ASXL transcriptional regulator 3; plus strand). Cytogenetic location: 18q12.1.
Variant type: single nucleotide variant.
Coding change: c.6102T>C on transcript NM_030632.3 (MANE Select); coding-DNA position 6102, T replaced by C.
Protein change: p.Pro2034=; no amino-acid change (proline 2034 retained).
Molecular consequence: synonymous variant.
Genome position (GRCh38, 1-based): chr18:33,745,950, T>C. VCF-style: chr18-33745950-T-C. GRCh37 (hg19) VCF-style: chr18-31325914-T-C.
Identifiers: ClinVar variation 1217451 (VCV001217451.30), dbSNP rs757354365, ClinGen allele CA8934562.